The following is an entry in ClinVar:

NM_000553.6(WRN):c.1609G>T (p.Val537Phe)

Gene: WRN (WRN RecQ like helicase; plus strand). Cytogenetic location: 8p12.
Variant type: single nucleotide variant.
Coding change: c.1609G>T on transcript NM_000553.6 (MANE Select); coding-DNA position 1609, G replaced by T.
Protein change: p.Val537Phe; replaces valine 537 with phenylalanine.
Molecular consequence: missense variant.
Genome position (GRCh38, 1-based): chr8:31,088,922, G>T. VCF-style: chr8-31088922-G-T. GRCh37 (hg19) VCF-style: chr8-30946438-G-T.
Other names: short protein forms V537F.
Identifiers: ClinVar variation 662343 (VCV000662343.3), dbSNP rs1217102061, ClinGen allele CA370926274.

ClinVar aggregate classification (germline): Uncertain significance (1 of 4 stars; one submission).

Conditions:
Werner syndrome (WRN). Identifiers: Orphanet 902, MedGen C0043119, MONDO:0010196, OMIM 277700.

Allele frequency attached by ClinVar (database versions not stated): gnomAD exomes below 0.00001; gnomAD 0.00001; TOPMed 0.00002.

Submission:

Labcorp Genetics (formerly Invitae), Labcorp
Classification: Uncertain significance for Werner syndrome. Last evaluated: 2021-11-17. Review status: criteria provided, single submitter. Criteria: Invitae Variant Classification Sherloc (09022015). Collection method: clinical testing. Allele origin: germline.
Comment: This sequence change replaces valine, which is neutral and non-polar, with phenylalanine, which is neutral and non-polar, at codon 537 of the WRN protein (p.Val537Phe). This variant is not present in population databases (gnomAD no frequency). This variant has not been reported in the literature in individuals affected with WRN-related conditions. ClinVar contains an entry for this variant (Variation ID: 662343). Algorithms developed to predict the effect of missense changes on protein structure and function are either unavailable or do not agree on the potential impact of this missense change (SIFT: "Not Available"; PolyPhen-2: "Possibly Damaging"; Align-GVGD: "Not Available"). In summary, the available evidence is currently insufficient to determine the role of this variant in disease. Therefore, it has been classified as a Variant of Uncertain Significance.